The following is an entry in ClinVar:

NC_000023.11:g.38276684G>T

Gene: RPGR (retinitis pigmentosa GTPase regulator; minus strand). Cytogenetic location: Xp11.4.
Variant type: single nucleotide variant.
Molecular consequence: missense variant (on NM_000328.3). On other transcripts: non-coding transcript variant (6).
Genome position: GRCh38 VCF-style: chrX-38276684-G-T. GRCh37 (hg19) VCF-style: chrX-38135937-G-T.
Other names: NC_000023.10:g.38135937G>T; c.1994C>A, p.Thr665Asn (NM_000328.3); c.1991C>A, p.Thr664Asn (NM_001367245.1); c.1808C>A, p.Thr603Asn (NM_001367246.1); c.1661C>A, p.Thr554Asn (NM_001367247.1); c.1691C>A, p.Thr564Asn (NM_001367248.1); c.1658C>A, p.Thr553Asn (NM_001367249.1, NM_001367250.1); c.1475C>A, p.Thr492Asn (NM_001367251.1); short protein forms T554N, T603N, T492N, T553N, T664N, T665N, T564N.
Identifiers: ClinVar variation 4487954 (VCV004487954.1).
Genomic context (GRCh38, chrX:38,276,684, plus strand): 5'-CTTTCTGCTCCTTCTGTTTTACTGTGATAACCTGTAGGAACACTTTCATCATCTCCCACA[G>T]TTTTCTTCTTGCTTTCCACATTTTCAGCATTAATTTCCTCATCCACATCTTCTAGTTTTA-3'

ClinVar aggregate classification (germline): Uncertain significance (1 of 4 stars; one submission).

Conditions:
Primary ciliary dyskinesia. Also called: Ciliary dyskinesia. Identifiers: Orphanet 244, MedGen C0008780, MONDO:0016575, HP:0012265.

Submissions (2):

Labcorp Genetics (formerly Invitae), Labcorp
Classification: Uncertain significance for Primary ciliary dyskinesia. Last evaluated: 2025-04-14. Review status: criteria provided, single submitter. Criteria: Invitae Variant Classification Sherloc (09022015). Collection method: clinical testing. Allele origin: germline.
Comment: This sequence change replaces threonine, which is neutral and polar, with asparagine, which is neutral and polar, at codon 665 of the RPGR protein (p.Thr665Asn). This variant is not present in population databases (gnomAD no frequency). This variant has not been reported in the literature in individuals affected with RPGR-related conditions. Invitae Evidence Modeling of protein sequence and biophysical properties (such as structural, functional, and spatial information, amino acid conservation, physicochemical variation, residue mobility, and thermodynamic stability) indicates that this missense variant is not expected to disrupt RPGR protein function with a negative predictive value of 95%. In summary, the available evidence is currently insufficient to determine the role of this variant in disease. Therefore, it has been classified as a Variant of Uncertain Significance.

Dr. Peter K. Rogan Lab, Western University
No classification provided (evidence only). Condition: Thyroid cancer, nonmedullary, 1. Review status: no classification provided. Collection method: in vitro. Allele origin: not applicable. Functional consequence: retained intron. Not counted in ClinVar's aggregate classification.